The following is an entry in ClinVar:

NM_000143.4(FH):c.1433A>C (p.Asn478Thr)

Gene: FH (fumarate hydratase; minus strand). Cytogenetic location: 1q43.
Variant type: single nucleotide variant.
Coding change: c.1433A>C on transcript NM_000143.4 (MANE Select); coding-DNA position 1433, A replaced by C.
Protein change: p.Asn478Thr; replaces asparagine 478 with threonine.
Molecular consequence: missense variant.
Genome position (GRCh38, 1-based): chr1:241,497,928, T>G on the plus strand (A>C on the coding strand, the complement: FH is on the minus strand). VCF-style: chr1-241497928-T-G. GRCh37 (hg19) VCF-style: chr1-241661228-T-G.
Other names: short protein forms N478T.
Identifiers: ClinVar variation 3230438 (VCV003230438.4), dbSNP rs201886827, ClinGen allele CA1478438.

ClinVar aggregate classification (germline): Uncertain significance. Review status: criteria provided, multiple submitters, no conflicts (2 of 4 stars). 3 submissions from 3 submitters: Uncertain significance (2). 1 of the submissions does not count toward it. Last evaluated 2024-11-25.

Conditions:
Hereditary cancer-predisposing syndrome. Also called: Hereditary Cancer Syndrome; Tumor predisposition; Neoplastic Syndromes, Hereditary; Hereditary neoplastic syndrome. Identifiers: Orphanet 140162, MedGen C0027672, MeSH D009386, MONDO:0015356.
Fumarase deficiency (FMRD). Also called: Fumarate Hydratase Deficiency; Fumaric aciduria. Identifiers: Orphanet 24, MedGen C0342770, MONDO:0011730, OMIM 606812.

gnomAD v4.1: 2 of 1,613,670 alleles (0.00012%); highest among the groups gnomAD compares: South Asian, 0.0022%; no homozygotes.

Submissions (3):

Labcorp Genetics (formerly Invitae), Labcorp
Classification: Uncertain significance. Last evaluated: 2024-11-25. Review status: criteria provided, single submitter. Criteria: Invitae Variant Classification Sherloc (09022015). Collection method: clinical testing. Allele origin: germline.
Comment: This sequence change replaces asparagine, which is neutral and polar, with threonine, which is neutral and polar, at codon 478 of the FH protein (p.Asn478Thr). This variant is present in population databases (rs201886827, gnomAD 0.003%). This variant has not been reported in the literature in individuals affected with FH-related conditions. ClinVar contains an entry for this variant (Variation ID: 3230438). Invitae Evidence Modeling of protein sequence and biophysical properties (such as structural, functional, and spatial information, amino acid conservation, physicochemical variation, residue mobility, and thermodynamic stability) indicates that this missense variant is not expected to disrupt FH protein function with a negative predictive value of 80%. In summary, the available evidence is currently insufficient to determine the role of this variant in disease. Therefore, it has been classified as a Variant of Uncertain Significance.

Ambry Genetics
Classification: Uncertain significance for Hereditary cancer-predisposing syndrome. Last evaluated: 2024-02-12. Review status: criteria provided, single submitter. Criteria: Ambry Variant Classification Scheme 2023. Collection method: clinical testing. Allele origin: germline.
Comment: The p.N478T variant (also known as c.1433A>C), located in coding exon 10 of the FH gene, results from an A to C substitution at nucleotide position 1433. The asparagine at codon 478 is replaced by threonine, an amino acid with similar properties. This amino acid position is conserved. In addition, this alteration is predicted to be tolerated by in silico analysis. Based on the available evidence, the clinical significance of this alteration remains unclear.

Natera, Inc.
Classification: Uncertain significance for Fumarase Deficiency. Last evaluated: 2025-03-04. Review status: no assertion criteria provided. Collection method: clinical testing. Allele origin: germline. Not counted in ClinVar's aggregate classification.